The following is an entry in ClinVar:

ClinVar aggregate classification (germline): Uncertain significance (1 of 4 stars; one submission).

Submission:

GeneDx
Classification: Uncertain significance. Last evaluated: 2022-09-07. Review status: criteria provided, single submitter. Criteria: GeneDx Variant Classification Process June 2021. Collection method: clinical testing. Allele origin: germline. Affected: yes.
Comment: Not observed at significant frequency in large population cohorts (gnomAD); In silico analysis supports that this missense variant does not alter protein structure/function; Has not been previously published as pathogenic or benign to our knowledge

NM_001375524.1(TRRAP):c.2785T>C (p.Ser929Pro)

Gene: TRRAP (transformation/transcription domain associated protein; plus strand). Cytogenetic location: 7q22.1.
Variant type: single nucleotide variant.
Coding change: c.2785T>C on transcript NM_001375524.1 (MANE Select); coding-DNA position 2785, T replaced by C.
Protein change: p.Ser929Pro; replaces serine 929 with proline.
Molecular consequence: missense variant.
Genome position (GRCh38, 1-based): chr7:98,921,915, T>C. VCF-style: chr7-98921915-T-C. GRCh37 (hg19) VCF-style: chr7-98519538-T-C.
Other names: c.2785T>C, p.Ser929Pro (NM_001244580.2, NM_003496.4); short protein forms S929P.
Identifiers: ClinVar variation 1704999 (VCV001704999.2), dbSNP rs2484748294, ClinGen allele CA368294527.
Genomic context (GRCh38, chr7:98,921,915, plus strand): 5'-TCGCAGAAGCTGCACTACGTTGTGACCGAGGTTCAGGGCCCCAGCATCACTGTGGAGTTT[T>C]CCGACTGCAAAGCTTCTCTCCAGCTCCCCATGGAGAAGGTAAGCTCTGTGACAATGTCGT-3'
Protein context (NP_001362453.1, residues 919-939): VQGPSITVEF[Ser929Pro]DCKASLQLPM